The following is an entry in ClinVar:

NM_001069.3(TUBB2A):c.809T>C (p.Phe270Ser)

Gene: TUBB2A (tubulin beta 2A class IIa; minus strand). Cytogenetic location: 6p25.2.
Variant type: single nucleotide variant.
Coding change: c.809T>C on transcript NM_001069.3 (MANE Select); coding-DNA position 809, T replaced by C.
Protein change: p.Phe270Ser; replaces phenylalanine 270 with serine.
Molecular consequence: missense variant.
Genome position (GRCh38, 1-based): chr6:3,154,392, A>G on the plus strand (T>C on the coding strand, the complement: TUBB2A is on the minus strand). VCF-style: chr6-3154392-A-G. GRCh37 (hg19) VCF-style: chr6-3154626-A-G.
Other names: c.554T>C, p.Phe185Ser (NM_001310315.2); short protein forms F185S, F270S.
Identifiers: ClinVar variation 2499861 (VCV002499861.1), dbSNP rs2533524311, ClinGen allele CA362591913.

ClinVar aggregate classification (germline): Uncertain significance (1 of 4 stars; one submission).

Submission:

GeneDx
Classification: Uncertain significance. Last evaluated: 2022-10-20. Review status: criteria provided, single submitter. Criteria: GeneDx Variant Classification Process June 2021. Collection method: clinical testing. Allele origin: germline. Affected: yes.
Comment: Not observed at significant frequency in large population cohorts (gnomAD); In silico analysis supports that this missense variant has a deleterious effect on protein structure/function; Has not been previously published as pathogenic or benign to our knowledge